The following is an entry in ClinVar:

ClinVar aggregate classification (germline): Uncertain significance. Review status: criteria provided, multiple submitters, no conflicts (2 of 4 stars). 2 submissions from 2 submitters: Uncertain significance (2). Last evaluated 2025-12-27.

Conditions:
Fanconi anemia (FA). Also called: Fanconi's anemia. Identifiers: Orphanet 84, MedGen C0015625, MeSH D005199, MONDO:0019391.
Inborn genetic diseases. Identifiers: MedGen C0950123, MeSH D030342.

gnomAD v4.1: 1 of 1,613,660 alleles (0.000062%); highest among the groups gnomAD compares: Admixed American, 0.0017%; no homozygotes.

Submissions (2):

Ambry Genetics
Classification: Uncertain significance for Inborn genetic diseases. Last evaluated: 2025-12-27. Review status: criteria provided, single submitter. Criteria: Ambry Variant Classification Scheme 2023. Collection method: clinical testing. Allele origin: germline.
Comment: The p.E1077A variant (also known as c.3230A>C), located in coding exon 14 of the FANCM gene, results from an A to C substitution at nucleotide position 3230. The glutamic acid at codon 1077 is replaced by alanine, an amino acid with dissimilar properties. This amino acid position is conserved. In addition, this alteration is predicted to be tolerated by in silico analysis. Based on the available evidence, the clinical significance of this variant remains unclear.

Labcorp Genetics (formerly Invitae), Labcorp
Classification: Uncertain significance for Fanconi anemia. Last evaluated: 2025-11-04. Review status: criteria provided, single submitter. Criteria: Invitae Variant Classification Sherloc (09022015). Collection method: clinical testing. Allele origin: germline.
Comment: This sequence change replaces glutamic acid, which is acidic and polar, with alanine, which is neutral and non-polar, at codon 1077 of the FANCM protein (p.Glu1077Ala). This variant is not present in population databases (gnomAD no frequency). This variant has not been reported in the literature in individuals affected with FANCM-related conditions. An algorithm developed to predict the effect of missense changes on protein structure and function (PolyPhen-2) suggests that this variant is likely to be tolerated. In summary, the available evidence is currently insufficient to determine the role of this variant in disease. Therefore, it has been classified as a Variant of Uncertain Significance.

NM_020937.4(FANCM):c.3230A>C (p.Glu1077Ala)

Gene: FANCM (FA complementation group M; plus strand). Cytogenetic location: 14q21.2.
Variant type: single nucleotide variant.
Coding change: c.3230A>C on transcript NM_020937.4 (MANE Select); coding-DNA position 3230, A replaced by C.
Protein change: p.Glu1077Ala; replaces glutamic acid 1077 with alanine.
Molecular consequence: missense variant.
Genome position (GRCh38, 1-based): chr14:45,175,984, A>C. VCF-style: chr14-45175984-A-C. GRCh37 (hg19) VCF-style: chr14-45645187-A-C.
Other names: c.3152A>C, p.Glu1051Ala (NM_001308133.2); short protein forms E1051A, E1077A.
Identifiers: ClinVar variation 4778398 (VCV004778398.2).
Genomic context (GRCh38, chr14:45,175,984, plus strand): 5'-TAAATTATCCATCTGAAAAAAGTTGCCTTTATGATATACCTAATGATAATATTTCTGATG[A>C]GCCAAGTCTCTGTGACTGTGATGTACATAAACATAATCAAAATGAAAATTTAGTACCTAA-3'
Protein context (NP_065988.1, residues 1067-1087): YDIPNDNISD[Glu1077Ala]PSLCDCDVHK